The following is an entry in ClinVar:

NM_018082.6(POLR3B):c.227+833C>A

Gene: POLR3B (RNA polymerase III subunit B; plus strand). Cytogenetic location: 12q23.3.
Variant type: single nucleotide variant.
Coding change: c.227+833C>A on transcript NM_018082.6 (MANE Select); 833 bases into the intron after coding-DNA position 227, C replaced by A.
Molecular consequence: intron variant.
Genome position (GRCh38, 1-based): chr12:106,367,555, C>A. VCF-style: chr12-106367555-C-A. GRCh37 (hg19) VCF-style: chr12-106761333-C-A.
Other names: c.53+833C>A (NM_001160708.2).
Identifiers: ClinVar variation 4854162 (VCV004854162.1).

ClinVar aggregate classification (germline): Uncertain significance (1 of 4 stars; one submission).

Conditions:
Leukodystrophy, hypomyelinating, 8, with or without oligodontia and/or hypogonadotropic hypogonadism. Also called: LEUKODYSTROPHY, HYPOMYELINATING, 8, WITH HYPODONTIA AND HYPOGONADOTROPIC HYPOGONADISM; Hypomyelinating leukodystrophy 8 with or without oligodontia and-or hypogonadotropic hypogonadism; Endosteal sclerosis-cerebellar hypoplasia syndrome. Identifiers: Orphanet 85186, Orphanet 88637, MedGen C3280644, MONDO:0013722, OMIM 614381.

Submission:

3billion
Classification: Uncertain significance for Leukodystrophy, hypomyelinating, 8, with or without oligodontia and/or hypogonadotropic hypogonadism. Last evaluated: 2025-09-18. Review status: criteria provided, single submitter. Criteria: ACMG Guidelines, 2015. Collection method: clinical testing. Allele origin: germline. Affected: yes.
Comment: The variant is not observed in the gnomAD v4.1.0 dataset. Predicted Consequence/Location: Intron variant In silico tools predict the variant to alter splicing and produce an abnormal transcript [SpliceAI: 0.80 (>=0.2, moderate evidence for spliceogenicity)]. Therefore, this variant is classified as VUS according to the recommendation of ACMG/AMP guideline.